The following is an entry in ClinVar:

ClinVar aggregate classification (germline): Uncertain significance. Review status: criteria provided, multiple submitters, no conflicts (2 of 4 stars). 2 submissions from 2 submitters: Uncertain significance (2). Last evaluated 2025-04-09.

Conditions:
Joubert syndrome. Also called: CEREBELLOPARENCHYMAL DISORDER IV; JOUBERT-BOLTSHAUSER SYNDROME; Familial aplasia of the vermis. Identifiers: Orphanet 475, MedGen C5979921, MONDO:0018772.
Meckel-Gruber syndrome. Also called: DYSENCEPHALIA SPLANCHNOCYSTICA; GRUBER SYNDROME; Dysencephalia splachnocystica. Identifiers: Orphanet 564, MedGen C0265215, MONDO:0018921.
Inborn genetic diseases. Identifiers: MedGen C0950123, MeSH D030342.

Allele frequency attached by ClinVar (database versions not stated): gnomAD exomes 0.00001; ExAC 0.00002.
gnomAD v4.1: 15 of 1,611,988 alleles (0.00093%); highest among the groups gnomAD compares: Non-Finnish European, 0.0013%; no homozygotes.

Submissions (2):

Ambry Genetics
Classification: Uncertain significance for Inborn genetic diseases. Last evaluated: 2025-04-09. Review status: criteria provided, single submitter. Criteria: Ambry Variant Classification Scheme 2023. Collection method: clinical testing. Allele origin: germline.

Labcorp Genetics (formerly Invitae), Labcorp
Classification: Uncertain significance for Joubert syndrome; Meckel-Gruber syndrome. Last evaluated: 2024-10-21. Review status: criteria provided, single submitter. Criteria: Invitae Variant Classification Sherloc (09022015). Collection method: clinical testing. Allele origin: germline.
Comment: This sequence change replaces glutamic acid, which is acidic and polar, with glutamine, which is neutral and polar, at codon 62 of the TCTN2 protein (p.Glu62Gln). This variant is present in population databases (rs774994149, gnomAD 0.002%). This variant has not been reported in the literature in individuals affected with TCTN2-related conditions. ClinVar contains an entry for this variant (Variation ID: 1428181). Invitae Evidence Modeling of protein sequence and biophysical properties (such as structural, functional, and spatial information, amino acid conservation, physicochemical variation, residue mobility, and thermodynamic stability) indicates that this missense variant is not expected to disrupt TCTN2 protein function with a negative predictive value of 80%. In summary, the available evidence is currently insufficient to determine the role of this variant in disease. Therefore, it has been classified as a Variant of Uncertain Significance.

NM_024809.5(TCTN2):c.184G>C (p.Glu62Gln)

Gene: TCTN2 (tectonic family member 2; plus strand). Cytogenetic location: 12q24.31.
Variant type: single nucleotide variant.
Coding change: c.184G>C on transcript NM_024809.5 (MANE Select); coding-DNA position 184, G replaced by C.
Protein change: p.Glu62Gln; replaces glutamic acid 62 with glutamine.
Molecular consequence: missense variant.
Genome position (GRCh38, 1-based): chr12:123,671,608, G>C. VCF-style: chr12-123671608-G-C. GRCh37 (hg19) VCF-style: chr12-124156155-G-C.
Other names: c.184G>C, p.Glu62Gln (NM_001143850.3); c.184G>C (NM_024809.3); short protein forms E62Q.
Identifiers: ClinVar variation 1428181 (VCV001428181.8), dbSNP rs774994149, ClinGen allele CA6860799.